The following is an entry in ClinVar:

ClinVar aggregate classification (germline): Uncertain significance (1 of 4 stars; one submission).

gnomAD v4.1: 2 of 1,597,116 alleles (0.00013%); no homozygotes.

Submission:

Labcorp Genetics (formerly Invitae), Labcorp
Classification: Uncertain significance. Last evaluated: 2023-08-25. Review status: criteria provided, single submitter. Criteria: Invitae Variant Classification Sherloc (09022015). Collection method: clinical testing. Allele origin: germline.
Comment: In summary, the available evidence is currently insufficient to determine the role of this variant in disease. Therefore, it has been classified as a Variant of Uncertain Significance. Algorithms developed to predict the effect of sequence changes on RNA splicing suggest that this variant may create or strengthen a splice site. This variant has not been reported in the literature in individuals affected with ATR-related conditions. This variant is not present in population databases (gnomAD no frequency). This sequence change falls in intron 10 of the ATR gene. It does not directly change the encoded amino acid sequence of the ATR protein.

NM_001184.4(ATR):c.2342-6C>T

Gene: ATR (ATR checkpoint kinase; minus strand). Cytogenetic location: 3q23.
Variant type: single nucleotide variant.
Coding change: c.2342-6C>T on transcript NM_001184.4 (MANE Select); 6 bases into the intron before coding-DNA position 2342, C replaced by T.
Molecular consequence: intron variant.
Genome position (GRCh38, 1-based): chr3:142,554,021, G>A on the plus strand (C>T on the coding strand, the complement: ATR is on the minus strand). VCF-style: chr3-142554021-G-A. GRCh37 (hg19) VCF-style: chr3-142272863-G-A.
Other names: c.2150-6C>T (NM_001354579.2).
Identifiers: ClinVar variation 2986244 (VCV002986244.3), dbSNP rs2108466195, ClinGen allele CA2577925526.